The following is an entry in ClinVar:

ClinVar aggregate classification (germline): Uncertain significance (1 of 4 stars; one submission).

Allele frequency attached by ClinVar (database versions not stated): ExAC 0.00001; gnomAD 0.00001; gnomAD exomes 0.00001.

Submission:

Labcorp Genetics (formerly Invitae), Labcorp
Classification: Uncertain significance. Last evaluated: 2022-01-11. Review status: criteria provided, single submitter. Criteria: Invitae Variant Classification Sherloc (09022015). Collection method: clinical testing. Allele origin: germline.
Comment: This sequence change replaces valine, which is neutral and non-polar, with methionine, which is neutral and non-polar, at codon 108 of the STAR protein (p.Val108Met). This variant is present in population databases (rs769629638, gnomAD 0.002%). This variant has not been reported in the literature in individuals affected with STAR-related conditions. Algorithms developed to predict the effect of missense changes on protein structure and function are either unavailable or do not agree on the potential impact of this missense change (SIFT: "Deleterious"; PolyPhen-2: "Probably Damaging"; Align-GVGD: "Class C0"). In summary, the available evidence is currently insufficient to determine the role of this variant in disease. Therefore, it has been classified as a Variant of Uncertain Significance.

NM_000349.3(STAR):c.322G>A (p.Val108Met)

Gene: STAR (steroidogenic acute regulatory protein; minus strand). Cytogenetic location: 8p11.23.
Variant type: single nucleotide variant.
Coding change: c.322G>A on transcript NM_000349.3 (MANE Select); coding-DNA position 322, G replaced by A.
Protein change: p.Val108Met; replaces valine 108 with methionine.
Molecular consequence: missense variant.
Genome position (GRCh38, 1-based): chr8:38,146,432, C>T on the plus strand (G>A on the coding strand, the complement: STAR is on the minus strand). VCF-style: chr8-38146432-C-T. GRCh37 (hg19) VCF-style: chr8-38003950-C-T.
Other names: short protein forms V108M.
Identifiers: ClinVar variation 2163097 (VCV002163097.1), dbSNP rs769629638, ClinGen allele CA4715269.